The following is an entry in ClinVar:

NM_005477.3(HCN4):c.2695G>T (p.Val899Leu)

Gene: HCN4 (hyperpolarization activated cyclic nucleotide gated potassium channel 4; minus strand). Cytogenetic location: 15q24.1.
Variant type: single nucleotide variant.
Coding change: c.2695G>T on transcript NM_005477.3 (MANE Select); coding-DNA position 2695, G replaced by T.
Protein change: p.Val899Leu; replaces valine 899 with leucine.
Molecular consequence: missense variant.
Genome position (GRCh38, 1-based): chr15:73,323,398, C>A on the plus strand (G>T on the coding strand, the complement: HCN4 is on the minus strand). VCF-style: chr15-73323398-C-A. GRCh37 (hg19) VCF-style: chr15-73615739-C-A.
Other names: short protein forms V899L.
Identifiers: ClinVar variation 3615938 (VCV003615938.2).

ClinVar aggregate classification (germline): Uncertain significance (1 of 4 stars; one submission).

Conditions:
Brugada syndrome 8 (BRGDA8). Identifiers: Orphanet 130, MedGen C2751083, MONDO:0013148, OMIM 613123.

Submission:

Labcorp Genetics (formerly Invitae), Labcorp
Classification: Uncertain significance for Brugada syndrome 8. Last evaluated: 2024-12-17. Review status: criteria provided, single submitter. Criteria: Invitae Variant Classification Sherloc (09022015). Collection method: clinical testing. Allele origin: germline.
Comment: This sequence change replaces valine, which is neutral and non-polar, with leucine, which is neutral and non-polar, at codon 899 of the HCN4 protein (p.Val899Leu). This variant is not present in population databases (gnomAD no frequency). This variant has not been reported in the literature in individuals affected with HCN4-related conditions. Invitae Evidence Modeling of protein sequence and biophysical properties (such as structural, functional, and spatial information, amino acid conservation, physicochemical variation, residue mobility, and thermodynamic stability) indicates that this missense variant is not expected to disrupt HCN4 protein function with a negative predictive value of 95%. In summary, the available evidence is currently insufficient to determine the role of this variant in disease. Therefore, it has been classified as a Variant of Uncertain Significance.